The following is an entry in ClinVar:

ClinVar aggregate classification (germline): Uncertain significance (1 of 4 stars; one submission).

Conditions:
Intellectual disability-microcephaly-strabismus-behavioral abnormalities syndrome. Also called: White-Sutton Syndrome. Identifiers: Orphanet 468678, MedGen C4225351, MONDO:0014606, OMIM 616364.

Submission:

Victorian Clinical Genetics Services, Murdoch Childrens Research Institute
Classification: Uncertain significance for Intellectual disability-microcephaly-strabismus-behavioral abnormalities syndrome. Last evaluated: 2024-10-10. Review status: criteria provided, single submitter. Criteria: ACMG Guidelines, 2015. Collection method: clinical testing. Allele origin: germline. Inheritance: Autosomal dominant inheritance. Affected: yes.
Comment: Based on the classification scheme VCGS_Germline_v1.3.5, this variant is classified as VUS-3B. Following criteria are met: 0102 - Loss of function is a known mechanism of disease in this gene and is associated with White-Sutton syndrome (MIM#616364). (I) 0107 - This gene is associated with autosomal dominant disease. (I) 0200 - Variant is predicted to result in a missense amino acid change from alanine to valine. (I) 0251 - This variant is heterozygous. (I) 0301 - Variant is absent from gnomAD (v2, v3 and v4). (SP) 0309 - An alternative amino acid change at the same position has been observed in gnomAD (v4; 2 heterozygotes, 0 homozygotes). (I) 0502 - Missense variant with conflicting in silico predictions and high conservation. (I) 0604 - Variant is not located in an established domain, motif, hotspot or informative constraint region. (I) 0705 - No comparable missense variants have previous evidence for pathogenicity. (I) 0807 - This variant has no previous evidence of pathogenicity. (I) 0905 - No published segregation evidence has been identified for this variant. (I) 1007 - No published functional evidence has been identified for this variant. (I) 1207 - Parental origin of the variant is unresolved. (I) Legend: (SP) - Supporting pathogenic, (I) - Information, (SB) - Supporting benign

NM_015100.4(POGZ):c.5C>T (p.Ala2Val)

Gene: POGZ (pogo transposable element derived with ZNF domain; minus strand). Cytogenetic location: 1q21.3.
Variant type: single nucleotide variant.
Coding change: c.5C>T on transcript NM_015100.4 (MANE Select); coding-DNA position 5, C replaced by T.
Protein change: p.Ala2Val; replaces alanine 2 with valine.
Molecular consequence: missense variant.
Genome position (GRCh38, 1-based): chr1:151,442,200, G>A on the plus strand (C>T on the coding strand, the complement: POGZ is on the minus strand). VCF-style: chr1-151442200-G-A. GRCh37 (hg19) VCF-style: chr1-151414676-G-A.
Other names: c.5C>T, p.Ala2Val (NM_001194937.2, NM_001194938.2, NM_145796.4 and 1 more transcripts); c.26C>T, p.Ala9Val (NM_001410860.1); short protein forms A2V, A9V.
Identifiers: ClinVar variation 3376987 (VCV003376987.1).
Genomic context (GRCh38, chr1:151,442,200, plus strand): 5'-CTGATTTTCTGCCATGGCTCCAACTCCTCCTCCTCACATTCCATGAACAGGTCGGTGTCC[G>A]CCATGCTATAAGAAAAACATTCAAATAAGATATGGGCCTAAGAATAGGAGATATTGCTTT-3'
Protein context (NP_055915.2, residues 1-12): M[Ala2Val]DTDLFMECEE